The following is an entry in ClinVar:

ClinVar aggregate classification (germline): Uncertain significance (1 of 4 stars; one submission).

Conditions:
Cardiovascular phenotype. Identifiers: MedGen CN230736.
Hereditary cancer-predisposing syndrome. Also called: Tumor predisposition; Neoplastic Syndromes, Hereditary; Hereditary neoplastic syndrome; Hereditary Cancer Syndrome. Identifiers: Orphanet 140162, MedGen C0027672, MeSH D009386, MONDO:0015356.

Submission:

Ambry Genetics
Classification: Uncertain significance for Cardiovascular phenotype; Hereditary cancer-predisposing syndrome. Last evaluated: 2025-07-23. Review status: criteria provided, single submitter. Criteria: Ambry Variant Classification Scheme 2023. Collection method: clinical testing. Allele origin: germline.
Comment: The c.2461_2484del24 variant (also known as p.I821_I828del) is located in coding exon 21 of the LZTR1 gene. This variant results from an in-frame deletion of 24 nucleotides (ATAGACTCCCTGGCCTCCCACATC) at positions 2461 to 2484. This results in the in-frame deletion of 8 amino acids (IDSLASHI) at codons 821 to 828. This amino acid region is well conserved in available vertebrate species. In addition, this variant is predicted to be deleterious by in silico analysis (Choi Y et al. PLoS ONE. 2012; 7(10):e46688). Based on the available evidence, the clinical significance of this variant remains unclear.

NM_006767.4(LZTR1):c.2461_2484del (p.Ile821_Ile828del)

Gene: LZTR1 (leucine zipper like post translational regulator 1; plus strand). Cytogenetic location: 22q11.21.
Variant type: Deletion.
Coding change: c.2461_2484del on transcript NM_006767.4 (MANE Select); coding-DNA positions 2461 to 2484, 24 bases deleted (ATAGACTCCCTGGCCTCCCACATC).
Protein change: p.Ile821_Ile828del.
Genome position (GRCh38, 1-based): chr22:20,997,286-20,997,309, ATAGACTCCCTGGCCTCCCACATC deleted; deleting any 24 consecutive bases within chr22:20,997,281-20,997,309 gives the same sequence; the c. name uses the placement nearest the transcript's 3' end. VCF-style (leftmost placement, unchanged base first): chr22-20997280-GACATCATAGACTCCCTGGCCTCCC-G. GRCh37 (hg19) VCF-style: chr22-21351569-GACATCATAGACTCCCTGGCCTCCC-G.
Identifiers: ClinVar variation 4101881 (VCV004101881.1).